The following is an entry in ClinVar:

NM_000350.3(ABCA4):c.4022G>A (p.Gly1341Asp)

Gene: ABCA4 (ATP binding cassette subfamily A member 4; minus strand). Cytogenetic location: 1p22.1.
Variant type: single nucleotide variant.
Coding change: c.4022G>A on transcript NM_000350.3 (MANE Select); coding-DNA position 4022, G replaced by A.
Protein change: p.Gly1341Asp; replaces glycine 1341 with aspartic acid.
Molecular consequence: missense variant.
Genome position (GRCh38, 1-based): chr1:94,031,884, C>T on the plus strand (G>A on the coding strand, the complement: ABCA4 is on the minus strand). VCF-style: chr1-94031884-C-T. GRCh37 (hg19) VCF-style: chr1-94497440-C-T.
Other names: c.3800G>A, p.Gly1267Asp (NM_001425324.1); short protein forms G1341D, G1267D.
Identifiers: ClinVar variation 1314399 (VCV001314399.6), dbSNP rs779248561, ClinGen allele CA957744.

ClinVar aggregate classification (germline): Uncertain significance. Review status: criteria provided, multiple submitters, no conflicts (2 of 4 stars). 2 submissions from 2 submitters: Uncertain significance (2). Last evaluated 2022-05-25.

Allele frequency attached by ClinVar (database versions not stated): TOPMed below 0.00001; gnomAD 0.00001; gnomAD exomes 0.00001; ExAC 0.00002.
gnomAD v4.1: 6 of 1,614,076 alleles (0.00037%); highest among the groups gnomAD compares: Non-Finnish European, 0.00042%; no homozygotes.

Submissions (2):

Labcorp Genetics (formerly Invitae), Labcorp
Classification: Uncertain significance. Last evaluated: 2022-05-25. Review status: criteria provided, single submitter. Criteria: Invitae Variant Classification Sherloc (09022015). Collection method: clinical testing. Allele origin: germline.
Comment: In summary, the available evidence is currently insufficient to determine the role of this variant in disease. Therefore, it has been classified as a Variant of Uncertain Significance. Advanced modeling of protein sequence and biophysical properties (such as structural, functional, and spatial information, amino acid conservation, physicochemical variation, residue mobility, and thermodynamic stability) performed at Invitae indicates that this missense variant is not expected to disrupt ABCA4 protein function. ClinVar contains an entry for this variant (Variation ID: 1314399). This variant has not been reported in the literature in individuals affected with ABCA4-related conditions. This variant is present in population databases (rs779248561, gnomAD 0.003%). This sequence change replaces glycine, which is neutral and non-polar, with aspartic acid, which is acidic and polar, at codon 1341 of the ABCA4 protein (p.Gly1341Asp).

GeneDx
Classification: Uncertain significance. Last evaluated: 2021-04-09. Review status: criteria provided, single submitter. Criteria: GeneDx Variant Classification Process June 2021. Collection method: clinical testing. Allele origin: germline. Affected: yes.
Comment: Not observed at a significant frequency in large population cohorts (Lek et al., 2016); In silico analysis supports that this missense variant has a deleterious effect on protein structure/function; Has not been previously published as pathogenic or benign to our knowledge